The following is an entry in ClinVar:

ClinVar aggregate classification (germline): Uncertain significance (1 of 4 stars; one submission).

Conditions:
Hereditary cancer-predisposing syndrome. Also called: Neoplastic Syndromes, Hereditary; Tumor predisposition; Hereditary Cancer Syndrome; Hereditary neoplastic syndrome. Identifiers: Orphanet 140162, MedGen C0027672, MeSH D009386, MONDO:0015356.

Submission:

Ambry Genetics
Classification: Uncertain significance for Hereditary cancer-predisposing syndrome. Last evaluated: 2021-11-22. Review status: criteria provided, single submitter. Criteria: Ambry Variant Classification Scheme 2023. Collection method: clinical testing. Allele origin: germline.
Comment: The p.S269R variant (also known as c.805A>C), located in coding exon 1 of the AXIN2 gene, results from an A to C substitution at nucleotide position 805. The serine at codon 269 is replaced by arginine, an amino acid with dissimilar properties. This amino acid position is conserved. In addition, this alteration is predicted to be tolerated by in silico analysis. Since supporting evidence is limited at this time, the clinical significance of this alteration remains unclear.

NM_004655.4(AXIN2):c.805A>C (p.Ser269Arg)

Gene: AXIN2 (axin 2; minus strand). Cytogenetic location: 17q24.1.
Variant type: single nucleotide variant.
Coding change: c.805A>C on transcript NM_004655.4 (MANE Select); coding-DNA position 805, A replaced by C.
Protein change: p.Ser269Arg; replaces serine 269 with arginine.
Molecular consequence: missense variant.
Genome position (GRCh38, 1-based): chr17:65,557,816, T>G on the plus strand (A>C on the coding strand, the complement: AXIN2 is on the minus strand). VCF-style: chr17-65557816-T-G. GRCh37 (hg19) VCF-style: chr17-63553934-T-G.
Other names: c.805A>C, p.Ser269Arg (NM_001363813.1); short protein forms S269R.
Identifiers: ClinVar variation 1761828 (VCV001761828.2), dbSNP rs1229801064, ClinGen allele CA400680209.